The following is an entry in ClinVar:

ClinVar aggregate classification (germline): Uncertain significance (1 of 4 stars; one submission).

Conditions:
Hereditary cancer-predisposing syndrome. Also called: Neoplastic Syndromes, Hereditary; Tumor predisposition; Hereditary Cancer Syndrome; Hereditary neoplastic syndrome. Identifiers: Orphanet 140162, MedGen C0027672, MeSH D009386, MONDO:0015356.

Allele frequency attached by ClinVar (database versions not stated): gnomAD exomes below 0.00001.

Submission:

Ambry Genetics
Classification: Uncertain significance for Hereditary cancer-predisposing syndrome. Last evaluated: 2024-10-09. Review status: criteria provided, single submitter. Criteria: Ambry Variant Classification Scheme 2023. Collection method: clinical testing. Allele origin: germline.
Comment: The p.G57R variant (also known as c.169G>A), located in coding exon 3 of the BRCA1 gene, results from a G to A substitution at nucleotide position 169. The glycine at codon 57 is replaced by arginine, an amino acid with dissimilar properties. This variant was detected in a cohort of 348 women diagnosed with breast cancer who had family history of breast and/or ovarian cancer (Palomba G et al. BMC Cancer, 2009 Jul;9:245). This variant was also found to prevent the interaction between the BRCA1 protein and the E2 ubiquitin conjugating enzyme UbcH5a (Morris JR et al. Hum. Mol. Genet., 2006 Feb;15:599-606), however one functional study suggests that this variant is functionally normal (Starita LM et al. Am J Hum Genet. 2018 Oct;103(4):498-508). Additional evidence is needed to confirm these findings. This amino acid position is well conserved in available vertebrate species. In addition, the in silico prediction for this alteration is inconclusive. Based on the available evidence, the clinical significance of this variant remains unclear.

Literature cited by the submitters: PubMed 16403807; PubMed 19619314; PubMed 30219179.

NM_007294.4(BRCA1):c.169G>A (p.Gly57Arg)

Gene: BRCA1 (BRCA1 DNA repair associated; minus strand). Cytogenetic location: 17q21.31.
Variant type: single nucleotide variant.
Coding change: c.169G>A on transcript NM_007294.4 (MANE Select); coding-DNA position 169, G replaced by A.
Protein change: p.Gly57Arg; replaces glycine 57 with arginine.
Molecular consequence: missense variant. On other transcripts: non-coding transcript variant (1).
Genome position (GRCh38, 1-based): chr17:43,106,499, C>T on the plus strand (G>A on the coding strand, the complement: BRCA1 is on the minus strand). VCF-style: chr17-43106499-C-T. GRCh37 (hg19) VCF-style: chr17-41258516-C-T.
Other names: c.-20G>A (NM_001407571.1, NM_001408478.1, NM_001408479.1 and 58 more transcripts); c.169G>A, p.Gly57Arg (NM_001407581.1, NM_001407582.1, NM_001407583.1 and 168 more transcripts); c.28G>A, p.Gly10Arg (NM_001408410.1, NM_001407692.1, NM_001407694.1 and 99 more transcripts); short protein forms G57R, G10R.
Identifiers: ClinVar variation 482934 (VCV000482934.7), dbSNP rs879255289, ClinGen allele CA10601818.